The following is an entry in ClinVar:

NM_003265.3(TLR3):c.1463G>A (p.Arg488Gln)

Gene: TLR3 (toll like receptor 3; plus strand). Cytogenetic location: 4q35.1.
Variant type: single nucleotide variant.
Coding change: c.1463G>A on transcript NM_003265.3 (MANE Select); coding-DNA position 1463, G replaced by A.
Protein change: p.Arg488Gln; replaces arginine 488 with glutamine.
Molecular consequence: missense variant.
Genome position (GRCh38, 1-based): chr4:186,083,149, G>A. VCF-style: chr4-186083149-G-A. GRCh37 (hg19) VCF-style: chr4-187004303-G-A.
Other names: short protein forms R488Q.
Identifiers: ClinVar variation 4754273 (VCV004754273.1).
Genomic context (GRCh38, chr4:186,083,149, plus strand): 5'-ACCTGCAGCTGACTAGGAACTCCTTTGCCTTGGTCCCAAGCCTTCAACGACTGATGCTCC[G>A]AAGGGTGGCCCTTAAAAATGTGGATAGCTCTCCTTCACCATTCCAGCCTCTTCGTAACTT-3'
Protein context (NP_003256.1, residues 478-498): LVPSLQRLML[Arg488Gln]RVALKNVDSS

ClinVar aggregate classification (germline): Uncertain significance (1 of 4 stars; one submission).

Conditions:
Encephalopathy, acute, infection-induced (herpes-specific), susceptibility to, 1. Also called: Herpes simplex encephalitis, susceptibility to, 1. Identifiers: Orphanet 1930, MedGen C2750180, MONDO:0024563, OMIM 610551.

gnomAD v4.1: 17 of 1,614,048 alleles (0.0011%); highest among the groups gnomAD compares: Middle Eastern, 0.016%; no homozygotes.

Submission:

Labcorp Genetics (formerly Invitae), Labcorp
Classification: Uncertain significance for Encephalopathy, acute, infection-induced (herpes-specific), susceptibility to, 1. Last evaluated: 2025-08-11. Review status: criteria provided, single submitter. Criteria: Invitae Variant Classification Sherloc (09022015). Collection method: clinical testing. Allele origin: germline.
Comment: This sequence change replaces arginine, which is basic and polar, with glutamine, which is neutral and polar, at codon 488 of the TLR3 protein (p.Arg488Gln). This variant is present in population databases (rs777335615, gnomAD 0.01%). This variant has not been reported in the literature in individuals affected with TLR3-related conditions. An algorithm developed to predict the effect of missense changes on protein structure and function (PolyPhen-2) suggests that this variant is likely to be disruptive. In summary, the available evidence is currently insufficient to determine the role of this variant in disease. Therefore, it has been classified as a Variant of Uncertain Significance.